The following is an entry in ClinVar:

NM_001374828.1(ARID1B):c.4040C>T (p.Thr1347Ile)

Gene: ARID1B (AT-rich interaction domain 1B; plus strand). Cytogenetic location: 6q25.3.
Variant type: single nucleotide variant.
Coding change: c.4040C>T on transcript NM_001374828.1 (MANE Select); coding-DNA position 4040, C replaced by T.
Protein change: p.Thr1347Ile; replaces threonine 1347 with isoleucine.
Molecular consequence: missense variant.
Genome position (GRCh38, 1-based): chr6:157,189,762, C>T. VCF-style: chr6-157189762-C-T. GRCh37 (hg19) VCF-style: chr6-157510896-C-T.
Other names: c.3671C>T (NM_020732.3); c.1541C>T, p.Thr514Ile (NM_001363725.2); c.3920C>T, p.Thr1307Ile (NM_001371656.1, NM_001374820.1); c.3881C>T, p.Thr1294Ile (NM_017519.3); short protein forms T1294I, T1307I, T1347I, T514I.
Identifiers: ClinVar variation 1311628 (VCV001311628.4), dbSNP rs1793227770, ClinGen allele CA366234292.

ClinVar aggregate classification (germline): Uncertain significance. Review status: criteria provided, multiple submitters, no conflicts (2 of 4 stars). 2 submissions from 2 submitters: Uncertain significance (2). Last evaluated 2025-03-06.

Allele frequency attached by ClinVar (database versions not stated): TOPMed below 0.00001; gnomAD exomes 0.00001.
gnomAD v4.1: 8 of 1,613,936 alleles (0.0005%); highest among the groups gnomAD compares: Non-Finnish European, 0.00068%; no homozygotes.

Submissions (2):

Labcorp Genetics (formerly Invitae), Labcorp
Classification: Uncertain significance. Last evaluated: 2025-03-06. Review status: criteria provided, single submitter. Criteria: Invitae Variant Classification Sherloc (09022015). Collection method: clinical testing. Allele origin: germline.
Comment: This sequence change replaces threonine, which is neutral and polar, with isoleucine, which is neutral and non-polar, at codon 1224 of the ARID1B protein (p.Thr1224Ile). This variant is not present in population databases (gnomAD no frequency). This variant has not been reported in the literature in individuals affected with ARID1B-related conditions. ClinVar contains an entry for this variant (Variation ID: 1311628). Invitae Evidence Modeling of protein sequence and biophysical properties (such as structural, functional, and spatial information, amino acid conservation, physicochemical variation, residue mobility, and thermodynamic stability) indicates that this missense variant is not expected to disrupt ARID1B protein function with a negative predictive value of 95%. In summary, the available evidence is currently insufficient to determine the role of this variant in disease. Therefore, it has been classified as a Variant of Uncertain Significance.

GeneDx
Classification: Uncertain significance. Last evaluated: 2019-12-31. Review status: criteria provided, single submitter. Criteria: GeneDx Variant Classification Process June 2021. Collection method: clinical testing. Allele origin: germline. Affected: yes.
Comment: Not observed in large population cohorts (Lek et al., 2016); In silico analysis, which includes protein predictors and evolutionary conservation, supports a deleterious effect; Has not been previously published as pathogenic or benign to our knowledge